The following is an entry in ClinVar:

NM_021074.5(NDUFV2):c.528T>C (p.Cys176=)

Genes: NDUFV2-AS1 (NDUFV2 antisense RNA 1; minus strand), NDUFV2 (NADH:ubiquinone oxidoreductase core subunit V2; plus strand). Cytogenetic location: 18p11.22.
Variant type: single nucleotide variant.
Coding change: c.528T>C on transcript NM_021074.5 (MANE Select); coding-DNA position 528, T replaced by C.
Protein change: p.Cys176=; no amino-acid change (cysteine 176 retained).
Molecular consequence: synonymous variant.
Genome position (GRCh38, 1-based): chr18:9,124,932, T>C. VCF-style: chr18-9124932-T-C. GRCh37 (hg19) VCF-style: chr18-9124930-T-C.
Identifiers: ClinVar variation 1707328 (VCV001707328.2), dbSNP rs1314974101, ClinGen allele CA502838216.

ClinVar aggregate classification (germline): Likely benign (1 of 4 stars; one submission).

Allele frequency attached by ClinVar (database versions not stated): gnomAD exomes below 0.00001; gnomAD 0.00001; TOPMed 0.00002.
gnomAD v4.1: 3 of 1,613,430 alleles (0.00019%); highest among the groups gnomAD compares: Non-Finnish European, 0.00025%; no homozygotes.

Submission:

GeneDx
Classification: Likely benign. Last evaluated: 2021-01-12. Review status: criteria provided, single submitter. Criteria: GeneDx Variant Classification Process June 2021. Collection method: clinical testing. Allele origin: germline. Affected: yes.
Comment: See Variant Classification Assertion Criteria.